The following is an entry in ClinVar:

ClinVar aggregate classification (germline): Pathogenic (1 of 4 stars; one submission).

Submission:

Labcorp Genetics (formerly Invitae), Labcorp
Classification: Pathogenic. Last evaluated: 2022-02-28. Review status: criteria provided, single submitter. Criteria: Invitae Variant Classification Sherloc (09022015). Collection method: clinical testing. Allele origin: germline.
Comment: For these reasons, this variant has been classified as Pathogenic. This variant has not been reported in the literature in individuals affected with LRPPRC-related conditions. This variant is not present in population databases (gnomAD no frequency). This sequence change creates a premature translational stop signal (p.Arg13Valfs*41) in the LRPPRC gene. It is expected to result in an absent or disrupted protein product. Loss-of-function variants in LRPPRC are known to be pathogenic (PMID: 26510951).

Literature cited by the submitters: PubMed 26510951.

NM_133259.4(LRPPRC):c.37del (p.Arg13fs)

Gene: LRPPRC (leucine rich pentatricopeptide repeat containing; minus strand). Cytogenetic location: 2p21.
Variant type: Deletion.
Coding change: c.37del on transcript NM_133259.4 (MANE Select); coding-DNA position 37, one base deleted (C; older notation c.37delC).
Protein change: p.Arg13fs; shifts the reading frame from arginine 13.
Molecular consequence: frameshift variant.
Genome position (GRCh38, 1-based): chr2:43,995,911, G deleted on the plus strand (C on the coding strand, the reverse complement: LRPPRC is on the minus strand). VCF-style (leftmost placement, unchanged base first): chr2-43995910-CG-C. GRCh37 (hg19) VCF-style: chr2-44223049-CG-C.
Other names: short protein forms R13fs.
Identifiers: ClinVar variation 2104670 (VCV002104670.4), dbSNP rs2465901308, ClinGen allele CA2580066524.